The following is an entry in ClinVar:

ClinVar aggregate classification (germline): Uncertain significance (1 of 4 stars; one submission).

Conditions:
Emery-Dreifuss muscular dystrophy 4, autosomal dominant (EDMD4). Also called: EMERY-DREIFUSS MUSCULAR DYSTROPHY 4 WITH VARIABLE FEATURES. Identifiers: Orphanet 261, MedGen C2751807, MONDO:0013071, OMIM 612998.
Autosomal recessive ataxia, Beauce type. Also called: Spinocerebellar ataxia, autosomal recessive 8; ATAXIA, RECESSIVE, OF BEAUCE; SYNE1 Deficiency; SYNE1-Related Autosomal Recessive Cerebellar Ataxia. Identifiers: Orphanet 88644, MedGen C1853116, MONDO:0012549, OMIM 610743.

gnomAD v4.1: 2 of 1,613,976 alleles (0.00012%); highest among the groups gnomAD compares: Non-Finnish European, 0.00017%; no homozygotes.

Submission:

Labcorp Genetics (formerly Invitae), Labcorp
Classification: Uncertain significance for Emery-Dreifuss muscular dystrophy 4, autosomal dominant; Autosomal recessive ataxia, Beauce type. Last evaluated: 2020-07-25. Review status: criteria provided, single submitter. Criteria: Invitae Variant Classification Sherloc (09022015). Collection method: clinical testing. Allele origin: germline.
Comment: Algorithms developed to predict the effect of missense changes on protein structure and function (SIFT, PolyPhen-2, Align-GVGD) all suggest that this variant is likely to be disruptive, but these predictions have not been confirmed by published functional studies and their clinical significance is uncertain. In summary, the available evidence is currently insufficient to determine the role of this variant in disease. Therefore, it has been classified as a Variant of Uncertain Significance. This variant has not been reported in the literature in individuals with SYNE1-related conditions. This variant is not present in population databases (ExAC no frequency). This sequence change replaces glycine with aspartic acid at codon 7548 of the SYNE1 protein (p.Gly7548Asp). The glycine residue is highly conserved and there is a moderate physicochemical difference between glycine and aspartic acid.

NM_182961.4(SYNE1):c.22856G>A (p.Gly7619Asp)

Gene: SYNE1 (spectrin repeat containing nuclear envelope protein 1; minus strand). Cytogenetic location: 6q25.2.
Variant type: single nucleotide variant.
Coding change: c.22856G>A on transcript NM_182961.4 (MANE Select); coding-DNA position 22856, G replaced by A.
Protein change: p.Gly7619Asp; replaces glycine 7619 with aspartic acid.
Molecular consequence: missense variant.
Genome position (GRCh38, 1-based): chr6:152,206,331, C>T on the plus strand (G>A on the coding strand, the complement: SYNE1 is on the minus strand). VCF-style: chr6-152206331-C-T. GRCh37 (hg19) VCF-style: chr6-152527466-C-T.
Other names: c.22643G>A, p.Gly7548Asp (NM_033071.5); short protein forms G7548D, G7619D.
Identifiers: ClinVar variation 1055267 (VCV001055267.9), dbSNP rs2153398375, ClinGen allele CA366095207.
Genomic context (GRCh38, chr6:152,206,331, plus strand): 5'-GCGCCACTGTCCGCCGAGAGAAGGAGTTGCTTGCCAGCCTCCACAGTCAGGATGTAGCTG[C>T]CTTGTTGCCGCAGAAACACTTTTTCTTTGAACTGAAAGGAACCATAGCTTTTTATTTTCT-3'
Protein context (NP_892006.3, residues 7609-7629): FKEKVFLRQQ[Gly7619Asp]SYILTVEAGK